The following is an entry in ClinVar:

ClinVar aggregate classification (germline): Uncertain significance. Review status: criteria provided, multiple submitters, no conflicts (2 of 4 stars). 2 submissions from 2 submitters: Uncertain significance (2). Last evaluated 2021-08-26.

Conditions:
Hermansky-Pudlak syndrome 6 (HPS6). Identifiers: Orphanet 231512, Orphanet 79430, MedGen C3888007, MONDO:0013558, OMIM 614075.

Allele frequency attached by ClinVar (database versions not stated): gnomAD 0.00001; TOPMed 0.00002.

Submissions (2):

Labcorp Genetics (formerly Invitae), Labcorp
Classification: Uncertain significance. Last evaluated: 2021-08-26. Review status: criteria provided, single submitter. Criteria: Invitae Variant Classification Sherloc (09022015). Collection method: clinical testing. Allele origin: germline.
Comment: This sequence change replaces leucine with valine at codon 604 of the HPS6 protein (p.Leu604Val). The leucine residue is highly conserved and there is a small physicochemical difference between leucine and valine. This variant is present in population databases (rs762013198, ExAC 0.002%). This missense change has been observed in individual(s) with a bleeding and/or platelet disorder (PMID: 25949529). ClinVar contains an entry for this variant (Variation ID: 880437). Algorithms developed to predict the effect of missense changes on protein structure and function (SIFT, PolyPhen-2, Align-GVGD) all suggest that this variant is likely to be disruptive. In summary, the available evidence is currently insufficient to determine the role of this variant in disease. Therefore, it has been classified as a Variant of Uncertain Significance.

Illumina Laboratory Services, Illumina
Classification: Uncertain significance for Hermansky-Pudlak syndrome 6. Last evaluated: 2017-04-28. Review status: criteria provided, single submitter. Criteria: ICSL Variant Classification Criteria 13 December 2019. Collection method: clinical testing. Allele origin: germline.

Literature cited by the submitters: PubMed 25949529 (cited by Labcorp Genetics (formerly Invitae), Labcorp).

NM_024747.6(HPS6):c.1810C>G (p.Leu604Val)

Gene: HPS6 (HPS6 biogenesis of lysosomal organelles complex 2 subunit 3; plus strand). Cytogenetic location: 10q24.32.
Variant type: single nucleotide variant.
Coding change: c.1810C>G on transcript NM_024747.6 (MANE Select); coding-DNA position 1810, C replaced by G.
Protein change: p.Leu604Val; replaces leucine 604 with valine.
Molecular consequence: missense variant.
Genome position (GRCh38, 1-based): chr10:102,067,284, C>G. VCF-style: chr10-102067284-C-G. GRCh37 (hg19) VCF-style: chr10-103827041-C-G.
Other names: short protein forms L604V.
Identifiers: ClinVar variation 880437 (VCV000880437.8), dbSNP rs762013198, ClinGen allele CA5660045.